The following is an entry in ClinVar:

NM_001875.5(CPS1):c.1112del (p.Phe371fs)

Gene: CPS1 (carbamoyl-phosphate synthase 1; plus strand). Cytogenetic location: 2q34.
Variant type: Deletion.
Coding change: c.1112del on transcript NM_001875.5 (MANE Select); coding-DNA position 1112, one base deleted (T; older notation c.1112delT).
Protein change: p.Phe371fs; shifts the reading frame from phenylalanine 371.
Molecular consequence: frameshift variant. On other transcripts: non-coding transcript variant (1).
Genome position (GRCh38, 1-based): chr2:210,592,904, T deleted; the last of 2 consecutive T bases (chr2:210,592,903-210,592,904); deleting either gives the same sequence. VCF-style (leftmost placement, unchanged base first): chr2-210592902-CT-C. GRCh37 (hg19) VCF-style: chr2-211457626-CT-C.
Other names: c.1112del, p.Phe371fs (NM_001122633.3, NM_001369257.1); c.1145del, p.Phe382fs (NM_001369256.1); short protein forms F371fs, F382fs.
Identifiers: ClinVar variation 1076733 (VCV001076733.7), dbSNP rs2106113137, ClinGen allele CA2499215592.
Genomic context (GRCh38, chr2:210,592,902, plus strand): 5'-TACAGAAGGAATTTCTTCCTGTTTCTTATTCCTTTAGGGGATTATGCATGAGAGCAAACC[CT>C]TCTTCGCTGTGCAGTTCCACCCAGAGGTCACCCCGGGGCCAATAGACACTGAGGTACGTC-3'

ClinVar aggregate classification (germline): Pathogenic (1 of 4 stars; one submission).

Conditions:
Congenital hyperammonemia, type I. Also called: Carbamoyl phosphate synthetase I deficiency disease; CPS I DEFICIENCY; Carbamoyl phosphate synthetase 1 deficiency; Hyperammonemia due to carbamoyl phosphate synthetase 1 deficiency; CPS 1 deficiency; Carbamyl phosphate synthetase (CPS) deficiency. Identifiers: Orphanet 147, MedGen C4082171, MONDO:0009376, OMIM 237300.

Submission:

Labcorp Genetics (formerly Invitae), Labcorp
Classification: Pathogenic for Congenital hyperammonemia, type I. Last evaluated: 2020-10-02. Review status: criteria provided, single submitter. Criteria: Invitae Variant Classification Sherloc (09022015). Collection method: clinical testing. Allele origin: germline.
Comment: For these reasons, this variant has been classified as Pathogenic. Loss-of-function variants in CPS1 are known to be pathogenic (PMID: 21120950). This sequence change creates a premature translational stop signal (p.Phe371Serfs*15) in the CPS1 gene. It is expected to result in an absent or disrupted protein product. This variant is not present in population databases (ExAC no frequency). This variant has not been reported in the literature in individuals with CPS1-related conditions.

Literature cited by the submitters: PubMed 21120950.